The following is an entry in ClinVar:

NM_005908.4(MANBA):c.1912C>T (p.Arg638Cys)

Gene: MANBA (mannosidase beta; minus strand). Cytogenetic location: 4q24.
Variant type: single nucleotide variant.
Coding change: c.1912C>T on transcript NM_005908.4 (MANE Select); coding-DNA position 1912, C replaced by T.
Protein change: p.Arg638Cys; replaces arginine 638 with cysteine.
Molecular consequence: missense variant.
Genome position (GRCh38, 1-based): chr4:102,639,815, G>A on the plus strand (C>T on the coding strand, the complement: MANBA is on the minus strand). VCF-style: chr4-102639815-G-A. GRCh37 (hg19) VCF-style: chr4-103560972-G-A.
Other names: short protein forms R638C.
Identifiers: ClinVar variation 975742 (VCV000975742.3), dbSNP rs746340334, ClinGen allele CA3026761.

ClinVar aggregate classification (germline): Uncertain significance. Review status: criteria provided, single submitter (1 of 4 stars). 2 submissions from 2 submitters: Uncertain significance (1). 1 of the submissions does not count toward it. Last evaluated 2022-06-26.

Conditions:
Beta-D-mannosidosis (MANSB). Also called: BETA-MANNOSIDASE DEFICIENCY; MANNOSIDOSIS, BETA A, LYSOSOMAL; Beta-Mannosidosis; LYSOSOMAL BETA-MANNOSIDASE DEFICIENCY. Identifiers: Orphanet 118, MedGen C4048196, MONDO:0009562, OMIM 248510.
Intellectual disability. Also called: intellectual disabilities; Intellectual developmental disorder; Intellectual functioning disability. Identifiers: MedGen C3714756, MeSH D008607, MONDO:0001071, HP:0001249.

Allele frequency attached by ClinVar (database versions not stated): TOPMed 0.00014; gnomAD exomes 0.00010 and 0.00007; gnomAD 0.00014 and 0.00008; ExAC 0.00007.
gnomAD v4.1: 161 of 1,613,852 alleles (0.01%); highest among the groups gnomAD compares: Non-Finnish European, 0.012%; no homozygotes.

Submissions (2):

Labcorp Genetics (formerly Invitae), Labcorp
Classification: Uncertain significance for Beta-D-mannosidosis. Last evaluated: 2022-06-26. Review status: criteria provided, single submitter. Criteria: Invitae Variant Classification Sherloc (09022015). Collection method: clinical testing. Allele origin: germline.
Comment: This sequence change replaces arginine, which is basic and polar, with cysteine, which is neutral and slightly polar, at codon 638 of the MANBA protein (p.Arg638Cys). This variant is present in population databases (rs746340334, gnomAD 0.01%). This variant has not been reported in the literature in individuals affected with MANBA-related conditions. ClinVar contains an entry for this variant (Variation ID: 975742). Algorithms developed to predict the effect of missense changes on protein structure and function are either unavailable or do not agree on the potential impact of this missense change (SIFT: "Deleterious"; PolyPhen-2: "Probably Damaging"; Align-GVGD: "Class C0"). In summary, the available evidence is currently insufficient to determine the role of this variant in disease. Therefore, it has been classified as a Variant of Uncertain Significance.

Centre de Biologie Pathologie Génétique, Centre Hospitalier Universitaire de Lille
Classification: Likely benign for Intellectual disability. Last evaluated: 2019-01-01. Review status: no assertion criteria provided. Collection method: clinical testing. Allele origin: inherited. Affected: yes. Not counted in ClinVar's aggregate classification.